The following is an entry in ClinVar:

ClinVar aggregate classification (germline): Uncertain significance (1 of 4 stars; one submission).

Conditions:
Epilepsy, childhood absence, susceptibility to, 5. Identifiers: Orphanet 64280, MedGen C2677087, MONDO:0012843, OMIM 612269.
Epilepsy, childhood absence, susceptibility to, 1. Also called: Epilepsy, childhood absence 1. Identifiers: Orphanet 64280, MedGen C1838604, MONDO:0020759, OMIM 600131.

Submission:

Labcorp Genetics (formerly Invitae), Labcorp
Classification: Uncertain significance for Epilepsy, childhood absence, susceptibility to, 5; Epilepsy, childhood absence, susceptibility to, 1. Last evaluated: 2022-07-19. Review status: criteria provided, single submitter. Criteria: Invitae Variant Classification Sherloc (09022015). Collection method: clinical testing. Allele origin: germline.
Comment: In summary, the available evidence is currently insufficient to determine the role of this variant in disease. Therefore, it has been classified as a Variant of Uncertain Significance. Algorithms developed to predict the effect of missense changes on protein structure and function are either unavailable or do not agree on the potential impact of this missense change (SIFT: "Tolerated"; PolyPhen-2: "Probably Damaging"; Align-GVGD: "Class C0"). ClinVar contains an entry for this variant (Variation ID: 1355130). This variant has not been reported in the literature in individuals affected with GABRB3-related conditions. This variant is not present in population databases (gnomAD no frequency). This sequence change replaces valine, which is neutral and non-polar, with aspartic acid, which is acidic and polar, at codon 223 of the GABRB3 protein (p.Val223Asp).

NM_000814.6(GABRB3):c.668T>A (p.Val223Asp)

Gene: GABRB3 (gamma-aminobutyric acid type A receptor subunit beta3; minus strand). Cytogenetic location: 15q12.
Variant type: single nucleotide variant.
Coding change: c.668T>A on transcript NM_000814.6 (MANE Select); coding-DNA position 668, T replaced by A.
Protein change: p.Val223Asp; replaces valine 223 with aspartic acid.
Molecular consequence: missense variant.
Genome position (GRCh38, 1-based): chr15:26,580,333, A>T on the plus strand (T>A on the coding strand, the complement: GABRB3 is on the minus strand). VCF-style: chr15-26580333-A-T. GRCh37 (hg19) VCF-style: chr15-26825480-A-T.
Other names: c.413T>A, p.Val138Asp (NM_001191320.2, NM_001278631.2); c.455T>A, p.Val152Asp (NM_001191321.3); c.668T>A, p.Val223Asp (NM_021912.5); short protein forms V138D, V152D, V223D.
Identifiers: ClinVar variation 1355130 (VCV001355130.8), dbSNP rs2140730292, ClinGen allele CA391463915.